The following is an entry in ClinVar:

ClinVar aggregate classification (germline): Conflicting classifications of pathogenicity. Review status: criteria provided, conflicting classifications (1 of 4 stars). 7 submissions from 7 submitters: Uncertain significance (2); Benign (1); Likely benign (4). Last evaluated 2026-01-16.

Conditions:
Charcot-Marie-Tooth disease type 4B3. Also called: Charcot-Marie-Tooth Neuropathy Type 4B3; CHARCOT-MARIE-TOOTH DISEASE, DEMYELINATING, TYPE 4B3. Identifiers: Orphanet 363981, MedGen C3695063, MONDO:0014117, OMIM 615284.
Tip-toe gait. Also called: Toe walking. Identifiers: MedGen C0427144, HP:0030051.

Allele frequency attached by ClinVar (database versions not stated): ESP Exome Variant Server 0.00008; gnomAD exomes 0.00022 and 0.00034; TOPMed 0.00028; gnomAD 0.00030 and 0.00042; 1000 Genomes Project 30x 0.00031; ExAC 0.00034; 1000 Genomes Project 0.00040.
gnomAD v4.1: 422 of 1,607,164 alleles (0.026%); highest among the groups gnomAD compares: East Asian, 0.17%; 2 homozygotes.

Submissions (7):

Labcorp Genetics (formerly Invitae), Labcorp
Classification: Likely benign. Last evaluated: 2026-01-16. Review status: criteria provided, single submitter. Criteria: Invitae Variant Classification Sherloc (09022015). Collection method: clinical testing. Allele origin: germline.

Blueprint Genetics
Classification: Uncertain significance. Last evaluated: 2024-11-27. Review status: criteria provided, single submitter. Criteria: ACMG Guidelines, 2015. Collection method: clinical testing. Allele origin: germline.

CeGaT Center for Human Genetics Tuebingen
Classification: Likely benign. Last evaluated: 2024-04-01. Review status: criteria provided, single submitter. Criteria: CeGaT Center For Human Genetics Tuebingen Variant Classification Criteria Version 2. Collection method: clinical testing. Allele origin: germline. Affected: yes. Observed: 6 variant alleles.
Comment: SBF1: BP4

Practice for Gait Abnormalities, David Pomarino, Competency Network Toe Walking C/o Practice Pomarino
Classification: Benign for Tip-toe gait. Last evaluated: 2024-02-21. Review status: criteria provided, single submitter. Criteria: Pomarino et al. (Glob Med Genet. 2026). Collection method: clinical testing. Allele origin: germline. Affected: yes.

ARUP Laboratories, Molecular Genetics and Genomics, ARUP Laboratories
Classification: Likely benign for Charcot-Marie-Tooth disease type 4B3. Last evaluated: 2024-01-09. Review status: criteria provided, single submitter. Criteria: ARUP Molecular Germline Variant Investigation Process 2024. Collection method: clinical testing. Allele origin: germline.

AiLife Diagnostics
Classification: Uncertain significance. Last evaluated: 2020-05-14. Review status: criteria provided, single submitter. Criteria: ACMG Guidelines, 2015. Collection method: clinical testing. Allele origin: germline. Affected: yes. Observed: 1 variant allele.

GeneDx
Classification: Likely benign. Last evaluated: 2019-10-29. Review status: criteria provided, single submitter. Criteria: GeneDx Variant Classification Process June 2021. Collection method: clinical testing. Allele origin: germline. Affected: yes.

NM_002972.4(SBF1):c.3147-8G>C

Gene: SBF1 (SET binding factor 1; minus strand). Cytogenetic location: 22q13.33.
Variant type: single nucleotide variant.
Coding change: c.3147-8G>C on transcript NM_002972.4 (MANE Select); 8 bases into the intron before coding-DNA position 3147, G replaced by C.
Molecular consequence: intron variant.
Genome position (GRCh38, 1-based): chr22:50,460,416, C>G on the plus strand (G>C on the coding strand, the complement: SBF1 is on the minus strand). VCF-style: chr22-50460416-C-G. GRCh37 (hg19) VCF-style: chr22-50898845-C-G.
Other names: c.3150-8G>C (NM_001365819.1).
Identifiers: ClinVar variation 444592 (VCV000444592.56), dbSNP rs182956712, ClinGen allele CA10316846.